The following is an entry in ClinVar:

ClinVar aggregate classification (germline): Pathogenic (1 of 4 stars; one submission).

Conditions:
Leber congenital amaurosis 13 (LCA13). Identifiers: MedGen C2675186, MONDO:0012990, OMIM 612712.

Submission:

Labcorp Genetics (formerly Invitae), Labcorp
Classification: Pathogenic for Leber congenital amaurosis 13. Last evaluated: 2023-10-02. Review status: criteria provided, single submitter. Criteria: Invitae Variant Classification Sherloc (09022015). Collection method: clinical testing. Allele origin: germline.
Comment: This variant results in the deletion of part of exon 4 (c.157_187+178del) of the RDH12 gene. It is expected to disrupt RNA splicing. Variants that disrupt the donor or acceptor splice site typically lead to a loss of protein function (PMID: 16199547), and loss-of-function variants in RDH12 are known to be pathogenic (PMID: 17964524, 22065924, 32014858, 34001834). This variant is not present in population databases (gnomAD no frequency). This variant has not been reported in the literature in individuals affected with RDH12-related conditions. ClinVar contains an entry for this variant (Variation ID: 662998). Algorithms developed to predict the effect of sequence changes on RNA splicing suggest that this variant may disrupt the consensus splice site. This variant disrupts a region of the RDH12 protein in which other variant(s) (p.Thr55Met) have been determined to be pathogenic (PMID: 16269441, 23847139, 28471114, 31814694; Invitae). This suggests that this is a clinically significant region of the protein, and that variants that disrupt it are likely to be disease-causing. For these reasons, this variant has been classified as Pathogenic.

Literature cited by the submitters: PubMed 16199547; PubMed 17964524; PubMed 22065924; PubMed 32014858; PubMed 34001834; PubMed 16269441; PubMed 23847139; PubMed 28471114; PubMed 31814694.

NM_152443.3(RDH12):c.157_187+178del

Genes: RDH12 (retinol dehydrogenase 12; plus strand), GPHN (gephyrin; plus strand). Cytogenetic location: 14q24.1.
Variant type: Deletion.
Coding change: c.157_187+178del on transcript NM_152443.3 (MANE Select); coding-DNA position 157 through 178 bases into the intron after coding-DNA position 187, 209 bases deleted.
Molecular consequence: splice donor variant.
Genome position (GRCh38, 1-based): chr14:67,724,561-67,724,769, 209 bases deleted. GRCh37 (hg19): chr14:68,191,278-68,191,486.
Identifiers: ClinVar variation 662998 (VCV000662998.3), dbSNP rs1594865068, ClinGen allele CA915948938.